The following is an entry in ClinVar:

ClinVar aggregate classification (germline): Conflicting classifications of pathogenicity. Review status: criteria provided, conflicting classifications (1 of 4 stars). 4 submissions from 4 submitters: Uncertain significance (3); Likely benign (1). Last evaluated 2025-11-23.

Conditions:
Emery-Dreifuss muscular dystrophy 5, autosomal dominant (EDMD5). Also called: EMERY-DREIFUSS MUSCULAR DYSTROPHY 5. Identifiers: Orphanet 261, MedGen C2751805, MONDO:0013072, OMIM 612999.

Allele frequency attached by ClinVar (database versions not stated): gnomAD exomes 0.00003 and 0.00014; gnomAD 0.00009; ExAC 0.00018; TOPMed 0.00022.
gnomAD v4.1: 63 of 1,613,980 alleles (0.0039%); highest among the groups gnomAD compares: Admixed American, 0.08%; no homozygotes.

Submissions (4):

Labcorp Genetics (formerly Invitae), Labcorp
Classification: Likely benign for Emery-Dreifuss muscular dystrophy 5, autosomal dominant. Last evaluated: 2025-11-23. Review status: criteria provided, single submitter. Criteria: Invitae Variant Classification Sherloc (09022015). Collection method: clinical testing. Allele origin: germline.

Athena Diagnostics
Classification: Uncertain significance. Last evaluated: 2025-02-06. Review status: criteria provided, single submitter. Criteria: Athena Diagnostics Criteria. Collection method: clinical testing. Allele origin: unknown.
Comment: Available data are insufficient to determine the clinical significance of the variant at this time. The frequency of this variant in the general population is higher than would generally be expected for pathogenic variants in this gene. Polyphen and MutationTaster predict this amino acid change may be benign.

Ambry Genetics
Classification: Uncertain significance. Last evaluated: 2024-11-28. Review status: criteria provided, single submitter. Criteria: Ambry Variant Classification Scheme 2023. Collection method: clinical testing. Allele origin: germline.

Revvity Omics, Revvity
Classification: Uncertain significance for Emery-Dreifuss muscular dystrophy 5, autosomal dominant. Last evaluated: 2019-03-29. Review status: criteria provided, single submitter. Criteria: ACMG Guidelines, 2015. Collection method: clinical testing. Allele origin: germline.

NM_182914.3(SYNE2):c.18550C>T (p.Arg6184Trp)

Gene: SYNE2 (spectrin repeat containing nuclear envelope protein 2; plus strand). Cytogenetic location: 14q23.2.
Variant type: single nucleotide variant.
Coding change: c.18550C>T on transcript NM_182914.3 (MANE Select); coding-DNA position 18550, C replaced by T.
Protein change: p.Arg6184Trp; replaces arginine 6184 with tryptophan.
Molecular consequence: missense variant.
Genome position (GRCh38, 1-based): chr14:64,209,951, C>T. VCF-style: chr14-64209951-C-T. GRCh37 (hg19) VCF-style: chr14-64676669-C-T.
Other names: c.18550C>T (NM_182914.2); c.18550C>T, p.Arg6184Trp (NM_015180.6); short protein forms R6184W.
Identifiers: ClinVar variation 1153593 (VCV001153593.13), dbSNP rs761998546, ClinGen allele CA7224133.